The following is an entry in ClinVar:

NM_000440.3(PDE6A):c.*9G>C

Gene: PDE6A (phosphodiesterase 6A; minus strand). Cytogenetic location: 5q32.
Variant type: single nucleotide variant.
Coding change: c.*9G>C on transcript NM_000440.3 (MANE Select); 9 bases downstream of the stop codon, G replaced by C.
Molecular consequence: 3 prime UTR variant.
Genome position (GRCh38, 1-based): chr5:149,860,886, C>G on the plus strand (G>C on the coding strand, the complement: PDE6A is on the minus strand). VCF-style: chr5-149860886-C-G. GRCh37 (hg19) VCF-style: chr5-149240449-C-G.
Other names: c.*9G>C (NM_001410788.1).
Identifiers: ClinVar variation 4980448 (VCV004980448.1).

ClinVar aggregate classification (germline): Likely benign (1 of 4 stars; one submission).

Conditions:
PDE6A-related disorder. Also called: PDE6A-related condition.

gnomAD v4.1: 15 of 1,612,514 alleles (0.00093%); highest among the groups gnomAD compares: African/African-American, 0.016%; no homozygotes.

Submission:

PreventionGenetics, part of Exact Sciences
Classification: Likely benign for PDE6A-related condition. Last evaluated: 2025-02-27. Review status: criteria provided, single submitter. Criteria: ACMG Guidelines, 2015. Collection method: clinical testing. Allele origin: germline.
Comment: This variant is classified as likely benign based on ACMG/AMP sequence variant interpretation guidelines (Richards et al. 2015 PMID: 25741868, with internal and published modifications).